The following is an entry in ClinVar:

NM_000400.4(ERCC2):c.1860G>T (p.Met620Ile)

Gene: ERCC2 (ERCC excision repair 2, TFIIH core complex helicase subunit; minus strand). Cytogenetic location: 19q13.32.
Variant type: single nucleotide variant.
Coding change: c.1860G>T on transcript NM_000400.4 (MANE Select); coding-DNA position 1860, G replaced by T.
Protein change: p.Met620Ile; replaces methionine 620 with isoleucine.
Molecular consequence: missense variant.
Genome position (GRCh38, 1-based): chr19:45,352,788, C>A on the plus strand (G>T on the coding strand, the complement: ERCC2 is on the minus strand). VCF-style: chr19-45352788-C-A. GRCh37 (hg19) VCF-style: chr19-45856046-C-A.
Other names: short protein forms M620I.
Identifiers: ClinVar variation 1781503 (VCV001781503.2), dbSNP rs2514000228, ClinGen allele CA406363844.
Genomic context (GRCh38, chr19:45,352,788, plus strand): 5'-GGAGACAGAGCTACTCACCTTGAGAATGCGGCTCTGTGTGTAGACGTAGGGGACGCCAAA[C>A]ATGATGACGGCCCGCCCGTAGTGGTGCACTGGTGGGCAGAGGAGAGGGGGCGAGGGGGGT-3'
Protein context (NP_000391.1, residues 610-630): FVHHYGRAVI[Met620Ile]FGVPYVYTQS

ClinVar aggregate classification (germline): Uncertain significance (1 of 4 stars; one submission).

Conditions:
Inborn genetic diseases. Identifiers: MedGen C0950123, MeSH D030342.

Submission:

Ambry Genetics
Classification: Uncertain significance for Inborn genetic diseases. Last evaluated: 2022-03-07. Review status: criteria provided, single submitter. Criteria: Ambry Variant Classification Scheme 2023. Collection method: clinical testing. Allele origin: germline.
Comment: The p.M620I variant (also known as c.1860G>T), located in coding exon 20 of the ERCC2 gene, results from a G to T substitution at nucleotide position 1860. The methionine at codon 620 is replaced by isoleucine, an amino acid with highly similar properties. This amino acid position is conserved. In addition, this alteration is predicted to be deleterious by in silico analysis. Since supporting evidence is limited at this time, the clinical significance of this alteration remains unclear.